The following is an entry in ClinVar:

ClinVar aggregate classification (germline): Likely pathogenic (1 of 4 stars; one submission).

Conditions:
Autosomal recessive ataxia, Beauce type. Also called: SYNE1 Deficiency; Spinocerebellar ataxia, autosomal recessive 8; ATAXIA, RECESSIVE, OF BEAUCE; SYNE1-Related Autosomal Recessive Cerebellar Ataxia. Identifiers: Orphanet 88644, MedGen C1853116, MONDO:0012549, OMIM 610743.

Submission:

Women's Health and Genetics/Laboratory Corporation of America, LabCorp
Classification: Likely pathogenic for Autosomal recessive ataxia, Beauce type. Last evaluated: 2025-01-29. Review status: criteria provided, single submitter. Criteria: LabCorp Variant Classification Summary - May 2015. Collection method: clinical testing. Allele origin: germline.
Comment: Variant summary: SYNE1 c.5288+2T>A is located in a canonical splice-site and is predicted to affect mRNA splicing resulting in a significantly altered protein due to either exon skipping, shortening, or inclusion of intronic material. Variants that disrupt the consensus splice site are a relatively common cause of aberrant splicing and loss of SYNE1 function. Several computational tools predict a significant impact on normal splicing: Four predict the variant abolishes a 5' splicing donor site. However, these predictions have yet to be confirmed by functional studies. The variant was absent in 251124 control chromosomes. To our knowledge, no occurrence of c.5288+2T>A in individuals affected with Autosomal recessive ataxia, Beauce type and no experimental evidence demonstrating its impact on protein function have been reported. No submitters have cited clinical-significance assessments for this variant to ClinVar. Based on the evidence outlined above, the variant was classified as likely pathogenic.

NM_182961.4(SYNE1):c.5267+2T>A

Gene: SYNE1 (spectrin repeat containing nuclear envelope protein 1; minus strand). Cytogenetic location: 6q25.2.
Variant type: single nucleotide variant.
Coding change: c.5267+2T>A on transcript NM_182961.4 (MANE Select); the canonical splice donor site of the intron after coding-DNA position 5267, T replaced by A.
Molecular consequence: splice donor variant.
Genome position (GRCh38, 1-based): chr6:152,425,379, A>T on the plus strand (T>A on the coding strand, the complement: SYNE1 is on the minus strand). VCF-style: chr6-152425379-A-T. GRCh37 (hg19) VCF-style: chr6-152746514-A-T.
Other names: c.5288+2T>A (NM_033071.5).
Identifiers: ClinVar variation 3769347 (VCV003769347.2).
Genomic context (GRCh38, chr6:152,425,379, plus strand): 5'-TTATATGCTCATCATTTAAAAACAAATGAACAATATTAGAAGATTTATCTTTTAGAACCA[A>T]CCTTTTGTTAATGATCTGTGGTAAATCTCTCCATCTCTCATCCAACTGCTCCAAATGTAG-3'